The following is an entry in ClinVar:

NM_000059.4(BRCA2):c.426-12_426-8del

Gene: BRCA2 (BRCA2 DNA repair associated; plus strand). Cytogenetic location: 13q13.1.
Variant type: Deletion.
Coding change: c.426-12_426-8del on transcript NM_000059.4 (MANE Select); 12 bases into the intron before coding-DNA position 426 through 8 bases into the intron before coding-DNA position 426, 5 bases deleted (GTTTT; older notation c.426-12_426-8delGTTTT).
Molecular consequence: intron variant.
Genome position (GRCh38, 1-based): chr13:32,326,089-32,326,093, GTTTT deleted; deleting any 5 consecutive bases within chr13:32,326,086-32,326,093 gives the same sequence; the c. name uses the placement nearest the transcript's 3' end. VCF-style (leftmost placement, unchanged base first): chr13-32326085-CTTTGT-C. GRCh37 (hg19) VCF-style: chr13-32900222-CTTTGT-C.
Other names: IVS4-12del5; c.426-12_426-8del5 (NM_000059.3); c.426-12_426-8delGTTTT (NM_000059.3, NM_000059.4).
Identifiers: ClinVar variation 51619 (VCV000051619.67), dbSNP rs276174844, ClinGen allele CA019828.

ClinVar aggregate classification (germline): Conflicting classifications of pathogenicity. Review status: criteria provided, conflicting classifications (1 of 4 stars). 14 submissions from 14 submitters: Uncertain significance (9); Likely benign (2). 3 of the submissions do not count toward it. Last evaluated 2026-05-22.

Conditions:
Breast-ovarian cancer, familial, susceptibility to, 2 (BROVCA2). Also called: BRCA2 Hereditary Breast and Ovarian Cancer. Identifiers: Orphanet 145, MedGen C2675520, MONDO:0012933, OMIM 612555. Disease mechanism: loss of function.
Familial cancer of breast. Also called: hereditary breast carcinoma; Hereditary breast cancer; BREAST CANCER, FAMILIAL. Identifiers: Orphanet 227535, MedGen C0346153, MONDO:0016419, OMIM 114480. Disease mechanism: loss of function.
Hereditary cancer-predisposing syndrome. Also called: Tumor predisposition; Neoplastic Syndromes, Hereditary; Hereditary neoplastic syndrome; Hereditary Cancer Syndrome. Identifiers: Orphanet 140162, MedGen C0027672, MeSH D009386, MONDO:0015356.
Hereditary breast ovarian cancer syndrome. Also called: BRCA1- and BRCA2-Associated Hereditary Breast and Ovarian Cancer; Hereditary breast and ovarian cancer syndrome (HBOC); Breast and ovarian cancer; Hereditary breast and ovarian cancer; Hereditary breast and/or ovarian cancer syndrome; Hereditary breast and ovarian cancer syndrome. Identifiers: Orphanet 145, MedGen C0677776, MeSH D061325, MONDO:0003582. Disease mechanism: loss of function.

Submissions 1 to 7 of 14:

Women's Health and Genetics/Laboratory Corporation of America, LabCorp
Classification: Uncertain significance. Last evaluated: 2026-05-22. Review status: criteria provided, single submitter. Criteria: LabCorp Variant Classification Summary - May 2015. Collection method: clinical testing. Allele origin: germline.
Comment: Variant summary: BRCA2 c.426-12_426-8delGTTTT alters a conserved nucleotide located at a position not widely known to affect splicing. Several computational tools predict a significant impact on normal splicing: Three predict the variant weakens a 3 acceptor site. Two predict the variant no significant impact on splicingIn addition, a recent computational study predicted a high probability of splicing impact (Leman_2018). Several publications reported experimental evidence that this variant affects mRNA splicing, by increasing exon 5 skipping (predicted to result in a frameshift), and consequently decreasing the expression of the full-length transcript (e.g., Zhang_2009, Sanz_2010, Whiley_2011, Whiley_2014, Lattimore_2018, Fraile-Bethencourt_2019). However, a more recent study found that this aberrant splicing is inefficient and the percent splicing index (PSI) was determined to be ~20% in positive controls (vs. ~10% in healthy controls) (Landrith_2020); the amount of normal transcript needed for normal BRCA2 function is unknown (Nix_2020). The variant was absent in 249586 control chromosomes (gnomAD). c.426-12_426-8delGTTTT has been reported in the literature in individuals affected with breast cancer, as well as unaffected individuals (e.g., Zhang_2009, Whiley_2011, Susswein_2015, Hou_2020). Recently it was reported in a compound heterozygous state with a second variant in BRCA2 in an individual with Fanconi anaemia, however not all the information was available (Johnatty_2025). These reports do not allow any conclusion about variant significance. Multiple co-occurrences with other pathogenic variants have been reported (BRCA2 c.9257-1G>C [NHGRI BIC database, Nix_2020]; BRCA2 c.7248del, p.H2417TfsX50 [LOVD database]; BRCA1 c.5152+1G>T [Loughrey_2008]; BRCA2 c.7719dupA, p.W2574MfsX10 [Nix_2020]), providing supporting evidence for a benign role. Particularly, Nix et al (2020) report carriers of the variant did not have a personal or family history consistent with pathogenicity and they specify that the variant was found to co-occur in trans with two different pathogenic variants in BRCA2 in individuals with no known features of Fanconi anemia. The following publications have been ascertained in the context of this evaluation (PMID: 26992833, 27060066, 30675319, 30883759, 21702907, 31980526, 41172994, 31642931, 32133419, 29774201, 29750258, 18446624, 35050751, 20215541, 26681312, 24212087, 21394826, 19070627). Based on the evidence outlined above, the variant was classified as VUS-possibly benign.

Labcorp Genetics (formerly Invitae), Labcorp
Classification: Likely benign for Hereditary breast ovarian cancer syndrome. Last evaluated: 2025-12-19. Review status: criteria provided, single submitter. Criteria: Invitae Variant Classification Sherloc (09022015). Collection method: clinical testing. Allele origin: germline.

Color Diagnostics, LLC DBA Color Health
Classification: Uncertain significance for Hereditary cancer-predisposing syndrome. Last evaluated: 2024-10-07. Review status: criteria provided, single submitter. Criteria: ACMG Guidelines, 2015. Collection method: clinical testing. Allele origin: germline.
Comment: This variant causes a deletion of 5 nucleotides in intron 4 of the BRCA2 gene. The variant is also known as IVS4-12del5, c.654-12_654-8delGTTTT, and c.426-12_8del5 in the literature. RNA studies of this variant have demonstrated a partial impact on splicing, increasing the skipping of exon 5 and producing a truncated protein in mutant cells (PMID: 19070627, 20215541, 21394826, 24212087, 30883759, 32133419). However, significant baseline expression of the exon 5 skipped transcript in normal cells may limit the variant's causal impact on disease (PMID: 27060066, 29774201, 32133419). This variant has been reported in individuals affected with breast cancer in the literature, but also in unaffected individuals (PMID: 10923033, 16162645, 18446624, 19070627, 30675319). Another clinical laboratory has reported that carriers of this variant do not have personal or family health history consistent with a pathogenic variant in BRCA2 (PMID: 35050751). Furthermore, this variant was also observed in trans with BRCA2 pathogenic variants in two individuals with no known features of Fanconi anemia (PMID: 35050751), and this variant has also been observed to co-occur with pathogenic variants in BRCA1 (PMID: 18446624, Color Internal data). This variant has not been identified in the general population by the Genome Aggregation Database (gnomAD). The available evidence is insufficient to determine the role of this variant in disease conclusively. Therefore, this variant is classified as a Variant of Uncertain Significance.

Quest Diagnostics Nichols Institute San Juan Capistrano
Classification: Uncertain significance. Last evaluated: 2024-09-13. Review status: criteria provided, single submitter. Criteria: Quest Diagnostics criteria. Collection method: clinical testing. Allele origin: unknown.
Comment: The BRCA2 c.426-12_426-8del variant (also known as 654-12_654-8delGTTTT, IVS4-12del5, and IVS 4-12_-8delGTTTT) has been reported in the published literature in individuals affected with breast cancer (PMID: 18446624 (2008), 19070627 (2009), 26681312 (2015)), or with a family history of breast and/or ovarian cancer (PMID: 31980526 (2020)). This variant has also been found in reportedly healthy individuals (PMID: 16162645 (2006), 19070627 (2009)). Multiple functional studies have demonstrated that this variant causes the skipping of exon 5 in a portion of transcripts, which results in the premature termination of the BRCA2 protein. However, presence of the wild-type transcript was also observed (PMID: 19070627 (2009), 20215541 (2010), 21394826 (2011)). In addition, this variant has been observed to occur with different pathogenic variants in individuals affected with breast cancer (BIC, LOVD, PMID: 18446624 (2008)). It has also been reported to occur in trans with different pathogenic variants in the BRCA2 gene in individuals with no clinical characteristics of Fanconi Anemia (PMID: 35050751 (2020)). This variant has not been reported in large, multi-ethnic general populations (Genome Aggregation Database). Analysis of this variant using software algorithms for the prediction of the effect of nucleotide changes on splicing yielded predictions that this variant does not affect BRCA2 mRNA splicing. Based on the available information, we are unable to determine the clinical significance of this variant.

German Consortium for Hereditary Breast and Ovarian Cancer, University Hospital Cologne
Classification: Likely benign for Hereditary breast ovarian cancer syndrome. Last evaluated: 2024-04-09. Review status: criteria provided, single submitter. Criteria: ClinGen BRCA2 V1.0.0. Collection method: curation. Allele origin: germline.
Comment: According to the ClinGen ENIGMA BRCA2 v1.0.0 criteria we chose these criteria: PM2 (supporting pathogenic): absent from controls (gnomAD v2/3), PP3 (supporting pathogenic): SpliceAI ≥ 0.2, BP5 (medium benign): Combined LR (Parsons 2019): 0.1359 (cutoff 0.23:1<LR<0.05:1), BS2 (medium benign): Nix 2020 (PMID: 35050751): in 2 individuals with no known features of Fanconi anemia confirmed in trans with BRCA2 c.7719dupA or c.9257-1G>C

GeneDx
Classification: Uncertain significance. Last evaluated: 2024-02-15. Review status: criteria provided, single submitter. Criteria: GeneDx Variant Classification Process June 2021. Collection method: clinical testing. Allele origin: germline. Affected: yes.
Comment: Published functional studies demonstrate aberrant splicing leading to skipping of exon 5 resulting in a truncated BRCA2 protein, but also show the presence of wild-type transcript indicating an incomplete splice defect (PMID: 19070627, 20215541, 21394826, 30883759); Observed in individuals with a personal and/or family history of BRCA2-related cancers, some of whom also carried a pathogenic variant in BRCA1 or BRCA2, and reported to occur in trans with a pathogenic BRCA2 variant in individuals without known features of Fanconi anemia (PMID: 18446624, 19070627, 26681312, 30675319, 35050751); Not observed at significant frequency in large population cohorts (gnomAD); Also known as BRCA2 654-12_654-8delGTTTT and IVS4-12del5; This variant is associated with the following publications: (PMID: 27060066, 30675319, 31642931, 23893897, 16162645, 20215541, 21394826, 19070627, 32133419, 31131967, 18446624, 24212087, 31980526, 30883759, 10923033, 26681312, 21520333, 35050751)

Department of Pathology and Laboratory Medicine, Sinai Health System
Classification: Uncertain significance for Familial cancer of breast; Breast-ovarian cancer, familial, susceptibility to, 2. Last evaluated: 2023-03-23. Review status: criteria provided, single submitter. Criteria: ACMG Guidelines, 2015. Collection method: clinical testing. Allele origin: germline. Affected: yes.